The following is an entry in ClinVar:

ClinVar aggregate classification (germline): Uncertain significance (1 of 4 stars; one submission).

Conditions:
Brugada syndrome 8 (BRGDA8). Identifiers: Orphanet 130, MedGen C2751083, MONDO:0013148, OMIM 613123.

Submission:

Labcorp Genetics (formerly Invitae), Labcorp
Classification: Uncertain significance for Brugada syndrome 8. Last evaluated: 2025-10-22. Review status: criteria provided, single submitter. Criteria: Invitae Variant Classification Sherloc (09022015). Collection method: clinical testing. Allele origin: germline.
Comment: This sequence change creates a premature translational stop signal (p.Gly1023Valfs*157) in the HCN4 gene. While this is not anticipated to result in nonsense mediated decay, it is expected to disrupt the last 181 amino acid(s) of the HCN4 protein. This variant is not present in population databases (gnomAD no frequency). This variant has not been reported in the literature in individuals affected with HCN4-related conditions. Experimental studies and prediction algorithms are not available or were not evaluated, and the functional significance of this variant is currently unknown. In summary, the available evidence is currently insufficient to determine the role of this variant in disease. Therefore, it has been classified as a Variant of Uncertain Significance.

NM_005477.3(HCN4):c.3068_3071del (p.Gly1023fs)

Gene: HCN4 (hyperpolarization activated cyclic nucleotide gated potassium channel 4; minus strand). Cytogenetic location: 15q24.1.
Variant type: Deletion.
Coding change: c.3068_3071del on transcript NM_005477.3 (MANE Select); coding-DNA positions 3068 to 3071, 4 bases deleted (GAGG; older notation c.3068_3071delGAGG).
Protein change: p.Gly1023fs; shifts the reading frame from glycine 1023.
Molecular consequence: frameshift variant.
Genome position (GRCh38, 1-based): chr15:73,323,022-73,323,025, CCTC deleted on the plus strand (GAGG on the coding strand, the reverse complement: HCN4 is on the minus strand); deleting any 4 consecutive bases within chr15:73,323,022-73,323,026 gives the same sequence; the c. name uses the placement nearest the transcript's 3' end. VCF-style (leftmost placement, unchanged base first): chr15-73323021-ACCTC-A. GRCh37 (hg19) VCF-style: chr15-73615362-ACCTC-A.
Other names: short protein forms G1023fs.
Identifiers: ClinVar variation 4729660 (VCV004729660.1).
Genomic context (GRCh38, chr15:73,323,021, plus strand): 5'-CCGGGGCGGGGCACTCGGGAAGGTTCTTGGGGGGCCTGGGCTGTGGCCAGGGGGGCTGAG[ACCTC>A]CTCGGGGAGTAAAGCCTACAGGGGAAGCCCCCCCAGAGGCCCCTGCCACAAGGGACGGCG-3'